The following is an entry in ClinVar:

ClinVar aggregate classification (germline): Uncertain significance. Review status: criteria provided, multiple submitters, no conflicts (2 of 4 stars). 2 submissions from 2 submitters: Uncertain significance (2). Last evaluated 2024-10-21.

Conditions:
Hereditary cancer-predisposing syndrome. Also called: Tumor predisposition; Neoplastic Syndromes, Hereditary; Hereditary neoplastic syndrome; Hereditary Cancer Syndrome. Identifiers: Orphanet 140162, MedGen C0027672, MeSH D009386, MONDO:0015356.
Hereditary diffuse gastric adenocarcinoma (HDGC). Also called: DIFFUSE GASTRIC AND LOBULAR BREAST CANCER SYNDROME. Identifiers: Orphanet 26106, MedGen C1708349, MONDO:0007648, OMIM 137215.

Submissions (2):

Ambry Genetics
Classification: Uncertain significance for Hereditary cancer-predisposing syndrome. Last evaluated: 2024-10-21. Review status: criteria provided, single submitter. Criteria: Ambry Variant Classification Scheme 2023. Collection method: clinical testing. Allele origin: germline.
Comment: The p.G633E variant (also known as c.1898G>A), located in coding exon 12 of the CDH1 gene, results from a G to A substitution at nucleotide position 1898. The glycine at codon 633 is replaced by glutamic acid, an amino acid with similar properties. This amino acid position is well conserved in available vertebrate species. In addition, this alteration is predicted to be tolerated by in silico analysis. Since supporting evidence is limited at this time, the clinical significance of this alteration remains unclear.

Labcorp Genetics (formerly Invitae), Labcorp
Classification: Uncertain significance for Hereditary diffuse gastric adenocarcinoma. Last evaluated: 2022-08-23. Review status: criteria provided, single submitter. Criteria: Invitae Variant Classification Sherloc (09022015). Collection method: clinical testing. Allele origin: germline.
Comment: This sequence change replaces glycine, which is neutral and non-polar, with glutamic acid, which is acidic and polar, at codon 633 of the CDH1 protein (p.Gly633Glu). This variant is not present in population databases (gnomAD no frequency). This variant has not been reported in the literature in individuals affected with CDH1-related conditions. ClinVar contains an entry for this variant (Variation ID: 142957). Algorithms developed to predict the effect of missense changes on protein structure and function (SIFT, PolyPhen-2, Align-GVGD) all suggest that this variant is likely to be tolerated. In summary, the available evidence is currently insufficient to determine the role of this variant in disease. Therefore, it has been classified as a Variant of Uncertain Significance.

NM_004360.5(CDH1):c.1898G>A (p.Gly633Glu)

Gene: CDH1 (cadherin 1; plus strand). Cytogenetic location: 16q22.1.
Variant type: single nucleotide variant.
Coding change: c.1898G>A on transcript NM_004360.5 (MANE Select); coding-DNA position 1898, G replaced by A.
Protein change: p.Gly633Glu; replaces glycine 633 with glutamic acid.
Molecular consequence: missense variant. On other transcripts: 5 prime UTR variant (1).
Genome position (GRCh38, 1-based): chr16:68,822,187, G>A. VCF-style: chr16-68822187-G-A. GRCh37 (hg19) VCF-style: chr16-68856090-G-A.
Other names: c.1898G>A (LRG_301t1); c.1715G>A, p.Gly572Glu (NM_001317184.2); c.350G>A, p.Gly117Glu (NM_001317185.2); c.-68G>A (NM_001317186.2); short protein forms G633E, G572E, G117E.
Identifiers: ClinVar variation 142957 (VCV000142957.11), dbSNP rs587782850, ClinGen allele CA169871.